The following is an entry in ClinVar:

ClinVar aggregate classification (germline): Likely pathogenic (1 of 4 stars; one submission).

Conditions:
Au-Kline syndrome. Also called: Neurodevelopmental disorder-craniofacial dysmorphism-cardiac defect-hip dysplasia syndrome due to a point mutation; Okamoto syndrome. Identifiers: Orphanet 2729, Orphanet 453499, Orphanet 453504, MedGen C4225274, MONDO:0014700, OMIM 616580.

Submission:

3billion
Classification: Likely pathogenic for Au-Kline syndrome. Last evaluated: 2024-07-25. Review status: criteria provided, single submitter. Criteria: ACMG Guidelines, 2015. Collection method: clinical testing. Allele origin: germline. Affected: yes.
Comment: The variant is not observed in the gnomAD v4.0.0 dataset. Predicted Consequence/Location: Frameshift: predicted to result in a loss or disruption of normal protein function through nonsense-mediated decay (NMD) or protein truncation. Multiple pathogenic variants are reported downstream of the variant. Therefore, this variant is classified as Likely pathogenic according to the recommendation of ACMG/AMP guideline.

NM_031263.4(HNRNPK):c.600del (p.Asp200fs)

Genes: HNRNPK (heterogeneous nuclear ribonucleoprotein K; minus strand), HNRNPK-AS1 (HNRNPK antisense RNA 1; plus strand). Cytogenetic location: 9q21.32.
Variant type: Deletion.
Coding change: c.600del on transcript NM_031263.4 (MANE Select); coding-DNA position 600, one base deleted (T; older notation c.600delT).
Protein change: p.Asp200fs; shifts the reading frame from aspartic acid 200.
Molecular consequence: frameshift variant.
Genome position (GRCh38, 1-based): chr9:83,972,889, A deleted on the plus strand (T on the coding strand, the reverse complement: HNRNPK is on the minus strand). VCF-style (leftmost placement, unchanged base first): chr9-83972888-TA-T. GRCh37 (hg19) VCF-style: chr9-86587803-TA-T.
Other names: c.528del, p.Asp176fs (NM_001318186.2, NM_001318187.2); c.600del, p.Asp200fs (NM_001318188.2, NM_002140.5, NM_031262.4); short protein forms D176fs, D200fs.
Identifiers: ClinVar variation 4292314 (VCV004292314.1).